The following is an entry in ClinVar:

ClinVar aggregate classification (germline): Uncertain significance. Review status: criteria provided, multiple submitters, no conflicts (2 of 4 stars). 3 submissions from 3 submitters: Uncertain significance (3). Last evaluated 2024-10-07.

Conditions:
Congenital sideroblastic anemia-B-cell immunodeficiency-periodic fever-developmental delay syndrome. Also called: Sideroblastic anemia with B-cell immunodeficiency, periodic fevers, and developmental delay. Identifiers: Orphanet 369861, MedGen C4015172, MONDO:0014487, OMIM 616084.
Inborn genetic diseases. Identifiers: MedGen C0950123, MeSH D030342.

Allele frequency attached by ClinVar (database versions not stated): gnomAD 0.00001 and 0.00002; ExAC 0.00002; TOPMed 0.00002; gnomAD exomes 0.00003 and 0.00004.

Submissions (3):

Labcorp Genetics (formerly Invitae), Labcorp
Classification: Uncertain significance for Congenital sideroblastic anemia-B-cell immunodeficiency-periodic fever-developmental delay syndrome. Last evaluated: 2024-10-07. Review status: criteria provided, single submitter. Criteria: Invitae Variant Classification Sherloc (09022015). Collection method: clinical testing. Allele origin: germline.
Comment: This sequence change replaces threonine, which is neutral and polar, with isoleucine, which is neutral and non-polar, at codon 360 of the TRNT1 protein (p.Thr360Ile). This variant is present in population databases (rs776480350, gnomAD 0.008%). This variant has not been reported in the literature in individuals affected with TRNT1-related conditions. ClinVar contains an entry for this variant (Variation ID: 542065). Invitae Evidence Modeling of protein sequence and biophysical properties (such as structural, functional, and spatial information, amino acid conservation, physicochemical variation, residue mobility, and thermodynamic stability) indicates that this missense variant is not expected to disrupt TRNT1 protein function with a negative predictive value of 80%. In summary, the available evidence is currently insufficient to determine the role of this variant in disease. Therefore, it has been classified as a Variant of Uncertain Significance.

Ambry Genetics
Classification: Uncertain significance for Inborn genetic diseases. Last evaluated: 2023-12-07. Review status: criteria provided, single submitter. Criteria: Ambry Variant Classification Scheme 2023. Collection method: clinical testing. Allele origin: germline.

GeneDx
Classification: Uncertain significance. Last evaluated: 2022-12-14. Review status: criteria provided, single submitter. Criteria: GeneDx Variant Classification Process June 2021. Collection method: clinical testing. Allele origin: germline. Affected: yes.
Comment: Not observed at significant frequency in large population cohorts (gnomAD); In silico analysis supports that this missense variant does not alter protein structure/function; Has not been previously published as pathogenic or benign to our knowledge

NM_182916.3(TRNT1):c.1079C>T (p.Thr360Ile)

Gene: TRNT1 (tRNA nucleotidyl transferase 1; plus strand). Cytogenetic location: 3p26.2.
Variant type: single nucleotide variant.
Coding change: c.1079C>T on transcript NM_182916.3 (MANE Select); coding-DNA position 1079, C replaced by T.
Protein change: p.Thr360Ile; replaces threonine 360 with isoleucine.
Molecular consequence: missense variant. On other transcripts: non-coding transcript variant (8).
Genome position (GRCh38, 1-based): chr3:3,147,928, C>T. VCF-style: chr3-3147928-C-T. GRCh37 (hg19) VCF-style: chr3-3189612-C-T.
Other names: c.1079C>T, p.Thr360Ile (LRG_1314t1, NM_001367321.1, NM_001367322.1 and 1 more transcripts); c.1019C>T, p.Thr340Ile (NM_001302946.2); short protein forms T360I, T340I.
Identifiers: ClinVar variation 542065 (VCV000542065.6), dbSNP rs776480350, ClinGen allele CA2228892.
Genomic context (GRCh38, chr3:3,147,928, plus strand): 5'-ATGTGTGACGAAACTAAATGTTTGATTTTGACACGTAGTCTAGGGAACCTGATGCAACTA[C>T]TCGTGTATGTGAACTACTGAAGTACCAAGGAGAGCACTGTCTCCTAAAGGAAATGCAGCA-3'
Protein context (NP_886552.3, residues 350-370): IIDSREPDAT[Thr360Ile]RVCELLKYQG